The following is an entry in ClinVar:

ClinVar aggregate classification (germline): Uncertain significance (1 of 4 stars; one submission).

Submission:

Labcorp Genetics (formerly Invitae), Labcorp
Classification: Uncertain significance. Last evaluated: 2021-04-23. Review status: criteria provided, single submitter. Criteria: Invitae Variant Classification Sherloc (09022015). Collection method: clinical testing. Allele origin: germline.
Comment: In summary, the available evidence is currently insufficient to determine the role of this variant in disease. Therefore, it has been classified as a Variant of Uncertain Significance. Algorithms developed to predict the effect of sequence changes on RNA splicing suggest that this variant is not likely to affect RNA splicing, but this prediction has not been confirmed by published transcriptional studies. This variant has not been reported in the literature in individuals with LZTR1-related conditions. This variant is not present in population databases (ExAC no frequency). This sequence change affects codon 264 of the LZTR1 mRNA. It is a 'silent' change, meaning that it does not change the encoded amino acid sequence of the LZTR1 protein.

NM_006767.4(LZTR1):c.792G>A (p.Thr264=)

Gene: LZTR1 (leucine zipper like post translational regulator 1; plus strand). Cytogenetic location: 22q11.21.
Variant type: single nucleotide variant.
Coding change: c.792G>A on transcript NM_006767.4 (MANE Select); coding-DNA position 792, G replaced by A.
Protein change: p.Thr264=; no amino-acid change (threonine 264 retained).
Molecular consequence: synonymous variant.
Genome position (GRCh38, 1-based): chr22:20,991,628, G>A. VCF-style: chr22-20991628-G-A. GRCh37 (hg19) VCF-style: chr22-21345917-G-A.
Identifiers: ClinVar variation 1491694 (VCV001491694.8), dbSNP rs1310529041, ClinGen allele CA513490947.